The following is an entry in ClinVar:

NM_018671.5(UNC45A):c.2500C>G (p.Leu834Val)

Genes: RCCD1-AS1 (RCCD1 and UNC45A antisense RNA 1; minus strand), UNC45A (unc-45 myosin chaperone A; plus strand). Cytogenetic location: 15q26.1.
Variant type: single nucleotide variant.
Coding change: c.2500C>G on transcript NM_018671.5 (MANE Select); coding-DNA position 2500, C replaced by G.
Protein change: p.Leu834Val; replaces leucine 834 with valine.
Molecular consequence: missense variant.
Genome position (GRCh38, 1-based): chr15:90,953,233, C>G. VCF-style: chr15-90953233-C-G. GRCh37 (hg19) VCF-style: chr15-91496463-C-G.
Other names: c.2455C>G, p.Leu819Val (NM_001039675.2, NM_001323621.2); c.2500C>G, p.Leu834Val (NM_001323619.1); c.2065C>G, p.Leu689Val (NM_001323620.2); c.2500C>G (NM_018671.3); short protein forms L834V, L689V, L819V.
Identifiers: ClinVar variation 1433325 (VCV001433325.7), dbSNP rs768964293, ClinGen allele CA7743318.
Genomic context (GRCh38, chr15:90,953,233, plus strand): 5'-GCCCAGGGCAATGACCGACTGAAGCTGCTGGTGCTGTACAGTGGAGAGGATGATGAGCTG[C>G]TACAGCGGGCAGCTGCCGGGGGCTTGGCCATGCTTACCTCCATGCGGCCCACGCTCTGCA-3'
Protein context (NP_061141.2, residues 824-844): VLYSGEDDEL[Leu834Val]QRAAAGGLAM

ClinVar aggregate classification (germline): Uncertain significance. Review status: criteria provided, multiple submitters, no conflicts (2 of 4 stars). 2 submissions from 2 submitters: Uncertain significance (2). Last evaluated 2023-12-13.

Conditions:
Inborn genetic diseases. Identifiers: MedGen C0950123, MeSH D030342.

Allele frequency attached by ClinVar (database versions not stated): gnomAD 0.00001; TOPMed 0.00001; gnomAD exomes 0.00002 and 0.00009; ExAC 0.00007.
gnomAD v4.1: 25 of 1,613,674 alleles (0.0015%); highest among the groups gnomAD compares: East Asian, 0.047%; no homozygotes.

Submissions (2):

Ambry Genetics
Classification: Uncertain significance for Inborn genetic diseases. Last evaluated: 2023-12-13. Review status: criteria provided, single submitter. Criteria: Ambry Variant Classification Scheme 2023. Collection method: clinical testing. Allele origin: germline.

Labcorp Genetics (formerly Invitae), Labcorp
Classification: Uncertain significance. Last evaluated: 2023-06-09. Review status: criteria provided, single submitter. Criteria: Invitae Variant Classification Sherloc (09022015). Collection method: clinical testing. Allele origin: germline.
Comment: In summary, the available evidence is currently insufficient to determine the role of this variant in disease. Therefore, it has been classified as a Variant of Uncertain Significance. Algorithms developed to predict the effect of sequence changes on RNA splicing suggest that this variant may create or strengthen a splice site. An algorithm developed to predict the effect of missense changes on protein structure and function (PolyPhen-2) suggests that this variant¬†is likely to be tolerated. ClinVar contains an entry for this variant (Variation ID: 1433325). This variant has not been reported in the literature in individuals affected with UNC45A-related conditions. This variant is present in population databases (rs768964293, gnomAD 0.1%). This sequence change replaces leucine, which is neutral and non-polar, with valine, which is neutral and non-polar, at codon 834 of the UNC45A protein (p.Leu834Val).